The following is an entry in ClinVar:

NM_000051.4(ATM):c.4020A>G (p.Leu1340=)

Gene: ATM (ATM serine/threonine kinase; plus strand). Cytogenetic location: 11q22.3.
Variant type: single nucleotide variant.
Coding change: c.4020A>G on transcript NM_000051.4 (MANE Select); coding-DNA position 4020, A replaced by G.
Protein change: p.Leu1340=; no amino-acid change (leucine 1340 retained).
Molecular consequence: synonymous variant.
Genome position (GRCh38, 1-based): chr11:108,287,626, A>G. VCF-style: chr11-108287626-A-G. GRCh37 (hg19) VCF-style: chr11-108158353-A-G.
Other names: c.4020A>G, p.Leu1340= (NM_001351834.2).
Identifiers: ClinVar variation 481294 (VCV000481294.21), dbSNP rs1555095888, ClinGen allele CA476673568.

ClinVar aggregate classification (germline): Benign/Likely benign. Review status: criteria provided, multiple submitters, no conflicts (2 of 4 stars). 6 submissions from 6 submitters: Benign (2); Likely benign (4). Last evaluated 2025-11-23.

Conditions:
Hereditary cancer-predisposing syndrome. Also called: Hereditary neoplastic syndrome; Neoplastic Syndromes, Hereditary; Tumor predisposition; Hereditary Cancer Syndrome. Identifiers: Orphanet 140162, MedGen C0027672, MeSH D009386, MONDO:0015356.
Familial cancer of breast. Also called: BREAST CANCER, FAMILIAL; Hereditary breast cancer; hereditary breast carcinoma. Identifiers: Orphanet 227535, MedGen C0346153, MONDO:0016419, OMIM 114480. Disease mechanism: loss of function.
Ataxia-telangiectasia syndrome (AT). Also called: LOUIS-BAR SYNDROME; Cerebello-oculocutaneous telangiectasia; Immunodeficiency with ataxia telangiectasia; AT, COMPLEMENTATION GROUP C; Ataxia-telangiectasia, complementation group D; ATAXIA-TELANGIECTASIA, COMPLEMENTATION GROUP A. Identifiers: Orphanet 100, MedGen C0004135, MONDO:0008840, OMIM 208900.

Allele frequency attached by ClinVar (database versions not stated): gnomAD exomes below 0.00001.
gnomAD v4.1: 1 of 1,613,240 alleles (0.000062%); highest among the groups gnomAD compares: Non-Finnish European, 0.000085%; no homozygotes.

Submissions (6):

Labcorp Genetics (formerly Invitae), Labcorp
Classification: Likely benign for Ataxia-telangiectasia syndrome. Last evaluated: 2025-11-23. Review status: criteria provided, single submitter. Criteria: Invitae Variant Classification Sherloc (09022015). Collection method: clinical testing. Allele origin: germline.

Myriad Genetics, Inc.
Classification: Benign for Familial cancer of breast. Last evaluated: 2024-05-16. Review status: criteria provided, single submitter. Criteria: Myriad Autosomal Dominant, Autosomal Recessive and X-Linked Classification Criteria (2023). Collection method: clinical testing. Allele origin: unknown.
Comment: This variant is considered benign. This variant is a silent/synonymous amino acid change and it is not expected to impact splicing.

Women's Health and Genetics/Laboratory Corporation of America, LabCorp
Classification: Likely benign. Last evaluated: 2019-10-03. Review status: criteria provided, single submitter. Criteria: LabCorp Variant Classification Summary - May 2015. Collection method: clinical testing. Allele origin: germline.

Color Diagnostics, LLC DBA Color Health
Classification: Likely benign for Hereditary cancer-predisposing syndrome. Last evaluated: 2017-05-29. Review status: criteria provided, single submitter. Criteria: ACMG Guidelines, 2015. Collection method: clinical testing. Allele origin: germline.

Ambry Genetics
Classification: Likely benign for Hereditary cancer-predisposing syndrome. Last evaluated: 2016-10-13. Review status: criteria provided, single submitter. Criteria: Ambry Variant Classification Scheme 2023. Collection method: clinical testing. Allele origin: germline.

GeneDx
Classification: Benign. Last evaluated: 2015-03-03. Review status: criteria provided, single submitter. Criteria: GeneDx Variant Classification Process June 2021. Collection method: clinical testing. Allele origin: germline. Affected: yes.